The following is an entry in ClinVar:

NM_020066.5(FMN2):c.2967T>C (p.Pro989=)

Gene: FMN2 (formin 2; plus strand). Cytogenetic location: 1q43.
Variant type: single nucleotide variant.
Coding change: c.2967T>C on transcript NM_020066.5 (MANE Select); coding-DNA position 2967, T replaced by C.
Protein change: p.Pro989=; no amino-acid change (proline 989 retained).
Molecular consequence: synonymous variant. On other transcripts: intron variant (1).
Genome position (GRCh38, 1-based): chr1:240,207,779, T>C. VCF-style: chr1-240207779-T-C. GRCh37 (hg19) VCF-style: chr1-240371079-T-C.
Other names: c.2979T>C, p.Pro993= (NM_001305424.2); c.1986+19517T>C (NM_001348094.2).
Identifiers: ClinVar variation 3025147 (VCV003025147.22), dbSNP rs557827551, ClinGen allele CA424385669.
Genomic context (GRCh38, chr1:240,207,779, plus strand): 5'-TCTTCCCGGAGCAGGAATACCTCCTCCACCCCCTCTACCCGGAGCGGGCATACCCCCTCC[T>C]CCCCCACTTCCCGGAGCGGGCATACCCCCTCCGCCCCCACTTCCCGGAGCGGGCATACCC-3'
Protein context (NP_064450.3, residues 979-999): PPLPGAGIPP[Pro989=]PPLPGAGIPP

ClinVar aggregate classification (germline): Likely benign (1 of 4 stars; one submission).

Submission:

CeGaT Center for Human Genetics Tuebingen
Classification: Likely benign. Last evaluated: 2024-01-01. Review status: criteria provided, single submitter. Criteria: CeGaT Center For Human Genetics Tuebingen Variant Classification Criteria Version 2. Collection method: clinical testing. Allele origin: germline. Affected: yes. Observed: 1 variant allele.
Comment: FMN2: BP4, BP7